The following is an entry in ClinVar:

ClinVar aggregate classification (germline): Uncertain significance. Review status: criteria provided, multiple submitters, no conflicts (2 of 4 stars). 3 submissions from 3 submitters: Uncertain significance (3). Last evaluated 2025-09-08.

Conditions:
Primary ciliary dyskinesia. Also called: Ciliary dyskinesia. Identifiers: Orphanet 244, MedGen C0008780, MONDO:0016575, HP:0012265.

Allele frequency attached by ClinVar (database versions not stated): gnomAD 0.00001; TOPMed 0.00001; ExAC 0.00002; gnomAD exomes 0.00002 and 0.00007; ESP Exome Variant Server 0.00008.
gnomAD v4.1: 108 of 1,613,784 alleles (0.0067%); highest among the groups gnomAD compares: Non-Finnish European, 0.0089%; no homozygotes.

Submissions (3):

Labcorp Genetics (formerly Invitae), Labcorp
Classification: Uncertain significance for Primary ciliary dyskinesia. Last evaluated: 2025-09-08. Review status: criteria provided, single submitter. Criteria: Invitae Variant Classification Sherloc (09022015). Collection method: clinical testing. Allele origin: germline.
Comment: This sequence change replaces lysine, which is basic and polar, with glutamine, which is neutral and polar, at codon 3101 of the DNAH5 protein (p.Lys3101Gln). This variant is present in population databases (rs371436275, gnomAD 0.003%). This missense change has been observed in individual(s) with clinical features of primary ciliary dyskinesia (internal data). ClinVar contains an entry for this variant (Variation ID: 858718). Invitae Evidence Modeling of protein sequence and biophysical properties (such as structural, functional, and spatial information, amino acid conservation, physicochemical variation, residue mobility, and thermodynamic stability) indicates that this missense variant is not expected to disrupt DNAH5 protein function with a negative predictive value of 95%. In summary, the available evidence is currently insufficient to determine the role of this variant in disease. Therefore, it has been classified as a Variant of Uncertain Significance.

Ambry Genetics
Classification: Uncertain significance for Primary ciliary dyskinesia. Last evaluated: 2024-05-21. Review status: criteria provided, single submitter. Criteria: Ambry Variant Classification Scheme 2023. Collection method: clinical testing. Allele origin: germline.
Comment: The p.K3101Q variant (also known as c.9301A>C), located in coding exon 55 of the DNAH5 gene, results from an A to C substitution at nucleotide position 9301. The lysine at codon 3101 is replaced by glutamine, an amino acid with similar properties. This amino acid position is conserved. In addition, this alteration is predicted to be tolerated by in silico analysis. Based on the available evidence, the clinical significance of this variant remains unclear.

Blueprint Genetics
Classification: Uncertain significance. Last evaluated: 2023-05-19. Review status: criteria provided, single submitter. Criteria: ACMG Guidelines, 2015. Collection method: clinical testing. Allele origin: germline.

NM_001369.3(DNAH5):c.9301A>C (p.Lys3101Gln)

Gene: DNAH5 (dynein axonemal heavy chain 5; minus strand). Cytogenetic location: 5p15.2.
Variant type: single nucleotide variant.
Coding change: c.9301A>C on transcript NM_001369.3 (MANE Select); coding-DNA position 9301, A replaced by C.
Protein change: p.Lys3101Gln; replaces lysine 3101 with glutamine.
Molecular consequence: missense variant.
Genome position (GRCh38, 1-based): chr5:13,776,511, T>G on the plus strand (A>C on the coding strand, the complement: DNAH5 is on the minus strand). VCF-style: chr5-13776511-T-G. GRCh37 (hg19) VCF-style: chr5-13776620-T-G.
Other names: short protein forms K3101Q.
Identifiers: ClinVar variation 858718 (VCV000858718.6), dbSNP rs371436275, ClinGen allele CA3202584.
Genomic context (GRCh38, chr5:13,776,511, plus strand): 5'-CATCTTTGGGCCATCGGCTGAACCAGTCAATTGTGCATCCTGAAATTAGGGCAGGGAACT[T>G]CAAAGCTCTGTTTCGAAATTTCTCCCCCACTGGCGAGAAGCAGAGCACAATATGAAGGTT-3'
Protein context (NP_001360.1, residues 3091-3111): VGEKFRNRAL[Lys3101Gln]FPALISGCTI